The following is an entry in ClinVar:

NM_152713.5(STT3A):c.949C>T (p.Leu317Phe)

Gene: STT3A (STT3 oligosaccharyltransferase complex catalytic subunit A; plus strand). Cytogenetic location: 11q24.2.
Variant type: single nucleotide variant.
Coding change: c.949C>T on transcript NM_152713.5 (MANE Select); coding-DNA position 949, C replaced by T.
Protein change: p.Leu317Phe; replaces leucine 317 with phenylalanine.
Molecular consequence: missense variant.
Genome position (GRCh38, 1-based): chr11:125,608,277, C>T. VCF-style: chr11-125608277-C-T. GRCh37 (hg19) VCF-style: chr11-125478172-C-T.
Other names: c.949C>T, p.Leu317Phe (NM_001278503.2); c.673C>T, p.Leu225Phe (NM_001278504.2); short protein forms L317F, L225F.
Identifiers: ClinVar variation 5003016 (VCV005003016.1).

ClinVar aggregate classification (germline): Uncertain significance (1 of 4 stars; one submission).

Conditions:
Congenital disorder of glycosylation, type Iw, autosomal dominant (CDG1WAD). Identifiers: MedGen C5562068, MONDO:0859223, OMIM 619714.

Submission:

OLLIN Analises Genomicas, OLLIN
Classification: Uncertain significance for Congenital disorder of glycosylation, type Iw, autosomal dominant. Last evaluated: 2026-08-06. Review status: criteria provided, single submitter. Criteria: ACMG Guidelines 2015 PMID 25741868. Collection method: clinical testing. Allele origin: germline.
Comment: This missense variant, located in exon 9 (of 18), is absent from gnomAD and ClinVar and has not been identified in the literature. In silico analysis predicts that this variant has a deleterious effect. This gene is constrained for missense variation. According to the currently available evidence, this variant has been classified as uncertain significance (PM2_P, PP2, PP3).